The following is an entry in ClinVar:

NM_001378609.3(OTOGL):c.2774C>T (p.Thr925Ile)

Gene: OTOGL (otogelin like; plus strand). Cytogenetic location: 12q21.31.
Variant type: single nucleotide variant.
Coding change: c.2774C>T on transcript NM_001378609.3 (MANE Select); coding-DNA position 2774, C replaced by T.
Protein change: p.Thr925Ile; replaces threonine 925 with isoleucine.
Molecular consequence: missense variant.
Genome position (GRCh38, 1-based): chr12:80,278,260, C>T. VCF-style: chr12-80278260-C-T. GRCh37 (hg19) VCF-style: chr12-80672040-C-T.
Other names: c.2774C>T, p.Thr925Ile (NM_001368062.3, NM_001378610.3, NM_173591.7); short protein forms T925I.
Identifiers: ClinVar variation 3926703 (VCV003926703.2).

ClinVar aggregate classification (germline): Uncertain significance. Review status: criteria provided, multiple submitters, no conflicts (2 of 4 stars). 2 submissions from 2 submitters: Uncertain significance (2). Last evaluated 2026-04-23.

Conditions:
Inborn genetic diseases. Identifiers: MedGen C0950123, MeSH D030342.

gnomAD v4.1: 40 of 1,535,780 alleles (0.0026%); highest among the groups gnomAD compares: Non-Finnish European, 0.0033%; no homozygotes.

Submissions (2):

GeneDx
Classification: Uncertain significance. Last evaluated: 2026-04-23. Review status: criteria provided, single submitter. Criteria: GeneDx Variant Classification Process June 2021. Collection method: clinical testing. Allele origin: germline.
Comment: Not observed at significant frequency in large population cohorts (gnomAD); In silico analysis supports that this missense variant has a deleterious effect on protein structure/function; Has not been previously published as pathogenic or benign to our knowledge

Ambry Genetics
Classification: Uncertain significance for Inborn genetic diseases. Last evaluated: 2025-04-01. Review status: criteria provided, single submitter. Criteria: Ambry Variant Classification Scheme 2023. Collection method: clinical testing. Allele origin: germline.